The following is an entry in ClinVar:

ClinVar aggregate classification (germline): Uncertain significance (1 of 4 stars; one submission).

Conditions:
Parathyroid carcinoma (PRTC). Also called: CDC73-Related Parathyroid Carcinoma; Parathyroid gland carcinoma. Identifiers: Orphanet 143, MedGen C0687150, MONDO:0012004, OMIM 608266, HP:0006780.

Submission:

Labcorp Genetics (formerly Invitae), Labcorp
Classification: Uncertain significance for Parathyroid carcinoma. Last evaluated: 2022-11-01. Review status: criteria provided, single submitter. Criteria: Invitae Variant Classification Sherloc (09022015). Collection method: clinical testing. Allele origin: germline.
Comment: In summary, the available evidence is currently insufficient to determine the role of this variant in disease. Therefore, it has been classified as a Variant of Uncertain Significance. Advanced modeling of protein sequence and biophysical properties (such as structural, functional, and spatial information, amino acid conservation, physicochemical variation, residue mobility, and thermodynamic stability) performed at Invitae indicates that this missense variant is expected to disrupt CDC73 protein function. This variant has not been reported in the literature in individuals affected with CDC73-related conditions. This variant is not present in population databases (gnomAD no frequency). This sequence change replaces leucine, which is neutral and non-polar, with phenylalanine, which is neutral and non-polar, at codon 529 of the CDC73 protein (p.Leu529Phe).

NM_024529.5(CDC73):c.1587G>C (p.Leu529Phe)

Gene: CDC73 (cell division cycle 73; plus strand). Cytogenetic location: 1q31.2.
Variant type: single nucleotide variant.
Coding change: c.1587G>C on transcript NM_024529.5 (MANE Select); coding-DNA position 1587, G replaced by C.
Protein change: p.Leu529Phe; replaces leucine 529 with phenylalanine.
Molecular consequence: missense variant.
Genome position (GRCh38, 1-based): chr1:193,250,703, G>C. VCF-style: chr1-193250703-G-C. GRCh37 (hg19) VCF-style: chr1-193219833-G-C.
Other names: short protein forms L529F.
Identifiers: ClinVar variation 2797790 (VCV002797790.3), dbSNP rs2527526335, ClinGen allele CA344078741.